The following is an entry in ClinVar:

NM_006767.4(LZTR1):c.741_743delinsAGA (p.Ser247_Gly248delinsArgGlu)

Gene: LZTR1 (leucine zipper like post translational regulator 1; plus strand). Cytogenetic location: 22q11.21.
Variant type: Indel.
Coding change: c.741_743delinsAGA on transcript NM_006767.4 (MANE Select); coding-DNA positions 741 to 743, CGG replaced by AGA.
Protein change: p.Ser247_Gly248delinsArgGlu.
Molecular consequence: missense variant.
Genome position (GRCh38, 1-based): chr22:20,990,475-20,990,477, CGG replaced by AGA. VCF-style: chr22-20990475-CGG-AGA. GRCh37 (hg19) VCF-style: chr22-21344764-CGG-AGA.
Identifiers: ClinVar variation 4101906 (VCV004101906.1).

ClinVar aggregate classification (germline): Uncertain significance (1 of 4 stars; one submission).

Conditions:
Cardiovascular phenotype. Identifiers: MedGen CN230736.
Hereditary cancer-predisposing syndrome. Also called: Tumor predisposition; Neoplastic Syndromes, Hereditary; Hereditary neoplastic syndrome; Hereditary Cancer Syndrome. Identifiers: Orphanet 140162, MedGen C0027672, MeSH D009386, MONDO:0015356.

Submission:

Ambry Genetics
Classification: Uncertain significance for Cardiovascular phenotype; Hereditary cancer-predisposing syndrome. Last evaluated: 2025-08-05. Review status: criteria provided, single submitter. Criteria: Ambry Variant Classification Scheme 2023. Collection method: clinical testing. Allele origin: germline.
Comment: The c.741_743delCGGinsAGA variant (also known as p.S247_G248delinsRE), located in coding exon 8 of the LZTR1 gene, results from an in-frame deletion of CGG and insertion of AGA at nucleotide positions 741 to 743. This results in the substitution of serine and glycine residues for an arginine and glutamate residue at codons 247 and 248. This amino acid region is highly conserved in available vertebrate species. In addition, this variant is predicted to be deleterious by in silico analysis (Choi Y et al. PLoS ONE. 2012; 7(10):e46688). Based on the available evidence, the clinical significance of this variant remains unclear.